The following is an entry in ClinVar:

ClinVar aggregate classification (germline): Uncertain significance (1 of 4 stars; one submission).

Conditions:
Ehlers-Danlos syndrome, classic type, 1 (EDSCL1). Also called: EHLERS-DANLOS SYNDROME, GRAVIS TYPE; EHLERS-DANLOS SYNDROME, SEVERE CLASSIC TYPE; Ehlers-Danlos syndrome, type 1; EDS I; Ehlers-Danlos Syndrome, Classic Type, COL5A1-Related. Identifiers: MedGen C0268335, MONDO:0019567, OMIM 130000.
Osteogenesis imperfecta type I (OI1). Also called: OI, TYPE I; OSTEOGENESIS IMPERFECTA TARDA; OSTEOGENESIS IMPERFECTA WITH BLUE SCLERAE; Osteogenesis imperfecta type 1; Lobstein's Disease; Lobstein disease. Identifiers: Orphanet 216796, Orphanet 666, MedGen C0023931, MONDO:0008146, OMIM 166200. Disease mechanism: loss of function.

Submission:

Labcorp Genetics (formerly Invitae), Labcorp
Classification: Uncertain significance for Osteogenesis imperfecta type I; Ehlers-Danlos syndrome, classic type, 1. Last evaluated: 2022-03-09. Review status: criteria provided, single submitter. Criteria: Invitae Variant Classification Sherloc (09022015). Collection method: clinical testing. Allele origin: germline.
Comment: This sequence change replaces asparagine, which is neutral and polar, with serine, which is neutral and polar, at codon 299 of the COL1A2 protein (p.Asn299Ser). This variant is not present in population databases (gnomAD no frequency). This variant has not been reported in the literature in individuals affected with COL1A2-related conditions. Advanced modeling of protein sequence and biophysical properties (such as structural, functional, and spatial information, amino acid conservation, physicochemical variation, residue mobility, and thermodynamic stability) performed at Invitae indicates that this missense variant is not expected to disrupt COL1A2 protein function. In summary, the available evidence is currently insufficient to determine the role of this variant in disease. Therefore, it has been classified as a Variant of Uncertain Significance.

NM_000089.4(COL1A2):c.896A>G (p.Asn299Ser)

Gene: COL1A2 (collagen type I alpha 2 chain; plus strand). Cytogenetic location: 7q21.3.
Variant type: single nucleotide variant.
Coding change: c.896A>G on transcript NM_000089.4 (MANE Select); coding-DNA position 896, A replaced by G.
Protein change: p.Asn299Ser; replaces asparagine 299 with serine.
Molecular consequence: missense variant.
Genome position (GRCh38, 1-based): chr7:94,409,568, A>G. VCF-style: chr7-94409568-A-G. GRCh37 (hg19) VCF-style: chr7-94038880-A-G.
Other names: short protein forms N299S.
Identifiers: ClinVar variation 2108071 (VCV002108071.4), dbSNP rs2115893108, ClinGen allele CA368220736.
Genomic context (GRCh38, chr7:94,409,568, plus strand): 5'-GAAGAACCGAAATATTCCAATTAACTGATATCCTTCTCCTTTCCTTTTCCTCATAGGGTA[A>G]TCCTGGAGCAAACGGCCTTACTGGTGCCAAGGGTGCTGCTGTGAGTATACCTGCGTAGCT-3'
Protein context (NP_000080.2, residues 289-309): GLSGPVGPPG[Asn299Ser]PGANGLTGAK